The following is an entry in ClinVar:

NM_007194.4(CHEK2):c.1517C>G (p.Thr506Arg)

Gene: CHEK2 (checkpoint kinase 2; minus strand). Cytogenetic location: 22q12.1.
Variant type: single nucleotide variant.
Coding change: c.1517C>G on transcript NM_007194.4 (MANE Select); coding-DNA position 1517, C replaced by G.
Protein change: p.Thr506Arg; replaces threonine 506 with arginine.
Molecular consequence: missense variant.
Genome position (GRCh38, 1-based): chr22:28,689,160, G>C on the plus strand (C>G on the coding strand, the complement: CHEK2 is on the minus strand). VCF-style: chr22-28689160-G-C. GRCh37 (hg19) VCF-style: chr22-29085148-G-C.
Other names: c.854C>G, p.Thr285Arg (NM_001257387.3); c.1316C>G, p.Thr439Arg (NM_001349956.3); c.1430C>G, p.Thr477Arg (NM_145862.3); c.1646C>G, p.Thr549Arg (NM_001005735.3); c.1517C>G (NM_007194.3); short protein forms T285R, T439R, T477R, T506R, T549R.
Identifiers: ClinVar variation 1009521 (VCV001009521.9), dbSNP rs1398732281, ClinGen allele CA411092359.
Genomic context (GRCh38, chr22:28,689,160, plus strand): 5'-AGACTACATTTAGTGATCATCAGGAATACGAATACCTGGGCTAGAACCTGGGGTAGAGCT[G>C]TGGATTCATTTTCCTCAGACAGAAGATCTTGAAACTTTCTCTTCATGTCTTCATCCTGTG-3'
Protein context (NP_009125.1, residues 496-516): QDLLSEENES[Thr506Arg]ALPQVLAQPS

ClinVar aggregate classification (germline): Uncertain significance. Review status: criteria provided, multiple submitters, no conflicts (2 of 4 stars). 2 submissions from 2 submitters: Uncertain significance (2). Last evaluated 2026-01-18.

Conditions:
Hereditary cancer-predisposing syndrome. Also called: Hereditary Cancer Syndrome; Neoplastic Syndromes, Hereditary; Tumor predisposition; Hereditary neoplastic syndrome. Identifiers: Orphanet 140162, MedGen C0027672, MeSH D009386, MONDO:0015356.
Familial cancer of breast. Also called: BREAST CANCER, FAMILIAL; hereditary breast carcinoma; Hereditary breast cancer. Identifiers: Orphanet 227535, MedGen C0346153, MONDO:0016419, OMIM 114480. Disease mechanism: loss of function.

Submissions (2):

Ambry Genetics
Classification: Uncertain significance for Hereditary cancer-predisposing syndrome. Last evaluated: 2026-01-18. Review status: criteria provided, single submitter. Criteria: Ambry Variant Classification Scheme 2023. Collection method: clinical testing. Allele origin: germline.
Comment: The p.T506R variant (also known as c.1517C>G), located in coding exon 13 of the CHEK2 gene, results from a C to G substitution at nucleotide position 1517. The threonine at codon 506 is replaced by arginine, an amino acid with similar properties. This amino acid position is conserved. In addition, this alteration is predicted to be tolerated by in silico analysis. Based on the available evidence, the clinical significance of this variant remains unclear.

Labcorp Genetics (formerly Invitae), Labcorp
Classification: Uncertain significance for Familial cancer of breast. Last evaluated: 2021-12-08. Review status: criteria provided, single submitter. Criteria: Invitae Variant Classification Sherloc (09022015). Collection method: clinical testing. Allele origin: germline.
Comment: This sequence change replaces threonine, which is neutral and polar, with arginine, which is basic and polar, at codon 506 of the CHEK2 protein (p.Thr506Arg). This variant is not present in population databases (gnomAD no frequency). This variant has not been reported in the literature in individuals affected with CHEK2-related conditions. ClinVar contains an entry for this variant (Variation ID: 1009521). Algorithms developed to predict the effect of missense changes on protein structure and function are either unavailable or do not agree on the potential impact of this missense change (SIFT: "Deleterious"; PolyPhen-2: "Benign"; Align-GVGD: "Class C0"). In summary, the available evidence is currently insufficient to determine the role of this variant in disease. Therefore, it has been classified as a Variant of Uncertain Significance.